The following is an entry in ClinVar:

ClinVar aggregate classification (germline): Uncertain significance. Review status: criteria provided, multiple submitters, no conflicts (2 of 4 stars). 2 submissions from 2 submitters: Uncertain significance (2). Last evaluated 2024-02-28.

Conditions:
Inborn genetic diseases. Identifiers: MedGen C0950123, MeSH D030342.
Progressive sclerosing poliodystrophy (MTDPS4A). Also called: Mitochondrial DNA depletion syndrome 4A (Alpers type); ALPERS PROGRESSIVE INFANTILE POLIODYSTROPHY; NEURONAL DEGENERATION OF CHILDHOOD WITH LIVER DISEASE, PROGRESSIVE; Alpers Syndrome; ALPERS DIFFUSE DEGENERATION OF CEREBRAL GRAY MATTER WITH HEPATIC CIRRHOSIS; Alpers-Huttenlocher Syndrome. Identifiers: Orphanet 726, MedGen C0205710, MONDO:0008758, OMIM 203700.

Submissions (2):

Ambry Genetics
Classification: Uncertain significance for Inborn genetic diseases. Last evaluated: 2024-02-28. Review status: criteria provided, single submitter. Criteria: Ambry Variant Classification Scheme 2023. Collection method: clinical testing. Allele origin: germline.

Labcorp Genetics (formerly Invitae), Labcorp
Classification: Uncertain significance for Progressive sclerosing poliodystrophy. Last evaluated: 2024-01-25. Review status: criteria provided, single submitter. Criteria: Invitae Variant Classification Sherloc (09022015). Collection method: clinical testing. Allele origin: germline.
Comment: This sequence change replaces glutamine, which is neutral and polar, with glutamic acid, which is acidic and polar, at codon 51 of the POLG protein (p.Gln51Glu). This variant is not present in population databases (gnomAD no frequency). This variant has not been reported in the literature in individuals affected with POLG-related conditions. Advanced modeling of protein sequence and biophysical properties (such as structural, functional, and spatial information, amino acid conservation, physicochemical variation, residue mobility, and thermodynamic stability) performed at Invitae indicates that this missense variant is not expected to disrupt POLG protein function with a negative predictive value of 95%. In summary, the available evidence is currently insufficient to determine the role of this variant in disease. Therefore, it has been classified as a Variant of Uncertain Significance.

NM_002693.3(POLG):c.151C>G (p.Gln51Glu)

Genes: POLG (DNA polymerase gamma, catalytic subunit; minus strand), POLGARF (POLG alternative reading frame; minus strand). Cytogenetic location: 15q26.1.
Variant type: single nucleotide variant.
Coding change: c.151C>G on transcript NM_002693.3 (MANE Select); coding-DNA position 151, C replaced by G.
Protein change: p.Gln51Glu; replaces glutamine 51 with glutamic acid.
Molecular consequence: missense variant.
Genome position (GRCh38, 1-based): chr15:89,333,604, G>C on the plus strand (C>G on the coding strand, the complement: POLG is on the minus strand). VCF-style: chr15-89333604-G-C. GRCh37 (hg19) VCF-style: chr15-89876835-G-C.
Other names: c.151C>G, p.Gln51Glu (NM_001126131.2); short protein forms Q51E.
Identifiers: ClinVar variation 2844027 (VCV002844027.4), dbSNP rs2509277064, ClinGen allele CA393774243.